The following is an entry in ClinVar:

NM_000466.3(PEX1):c.3455_3456del (p.Ser1152fs)

Genes: GATAD1 (GATA zinc finger domain containing 1; plus strand), PEX1 (peroxisomal biogenesis factor 1; minus strand). Cytogenetic location: 7q21.2.
Variant type: Microsatellite.
Coding change: c.3455_3456del on transcript NM_000466.3 (MANE Select); coding-DNA positions 3455 to 3456, 2 bases deleted (CT; older notation c.3455_3456delCT).
Protein change: p.Ser1152fs; shifts the reading frame from serine 1152.
Molecular consequence: frameshift variant.
Genome position (GRCh38, 1-based): chr7:92,489,894-92,489,895, AG deleted on the plus strand (CT on the coding strand, the reverse complement: PEX1 is on the minus strand); deleting any 2 consecutive bases within chr7:92,489,894-92,489,900 gives the same sequence; the c. name uses the placement nearest the transcript's 3' end. VCF-style (leftmost placement, unchanged base first): chr7-92489893-CAG-C. GRCh37 (hg19) VCF-style: chr7-92119207-CAG-C.
Other names: c.3284_3285del, p.Ser1095fs (NM_001282677.2); c.2831_2832del, p.Ser944fs (NM_001282678.2); c.3455_3456del (NM_000466.2); short protein forms S1152fs, S1095fs, S944fs.
Identifiers: ClinVar variation 371774 (VCV000371774.55), dbSNP rs759183382, ClinGen allele CA4340813.
Genomic context (GRCh38, chr7:92,489,893, plus strand): 5'-GTGAAAACAACTGGTCTTTCCCAGGAACTCCAGGCAAATCCTGAGTCATGGAGCTTGGTG[CAG>C]AGAGACATTGTGAGCTCTGCATGGTAAATTGTAGTAATGAAAGATGGAAGGAAGAGGGGG-3'

ClinVar aggregate classification (germline): Pathogenic/Likely pathogenic. Review status: criteria provided, multiple submitters, no conflicts (2 of 4 stars). 8 submissions from 7 submitters: Pathogenic (1); Likely pathogenic (5). 2 of the submissions do not count toward it. Last evaluated 2026-06-03.

Conditions:
PEX1-related disorder. Also called: PEX1-related condition.
Zellweger spectrum disorders (ZS). Also called: Zellweger Spectrum Disorder; Zellweger Spectrum; Zellweger Spectrum Disorder (ZSD); Zellweger syndrome. Identifiers: Orphanet 912, MedGen C0043459, MONDO:0019609.
Heimler syndrome 1 (HMLR1). Also called: PEROXISOME BIOGENESIS DISORDER 1C. Identifiers: Orphanet 3220, MedGen C4551980, OMIM 234580, MONDO:0024544.
Peroxisome biogenesis disorder 1B (PBD1B). Also called: Refsum disease, infantile form; Infantile Refsum disease; Infantile form of phytanic acid storage disease; PEROXISOME BIOGENESIS DISORDER (NEONATAL ADRENOLEUKODYSTROPHY/INFANTILE REFSUM DISEASE); INFANTILE PHYTANIC ACID STORAGE DISEASE; PEROXISOME BIOGENESIS DISORDER (NALD/IRD). Identifiers: Orphanet 44, MedGen C0282527, MONDO:0011101, OMIM 601539.
Peroxisome biogenesis disorder 1A (Zellweger) (PBD1A). Also called: Zellweger leukodystrophy; Peroxisome biogenesis disorder 1a. Identifiers: MedGen C4721541, MONDO:0008953, OMIM 214100.

Submissions (8):

PreventionGenetics, part of Exact Sciences
Classification: Likely pathogenic for PEX1-related condition. Last evaluated: 2026-06-03. Review status: criteria provided, single submitter. Criteria: ACMG Guidelines, 2015. Collection method: clinical testing. Allele origin: germline.
Comment: The PEX1 c.3455_3456delCT variant is predicted to result in a frameshift and premature protein termination (p.Ser1152Cysfs*78). To our knowledge, this variant has not been reported in the literature in an individual with disease. This variant is present in 0.0080% of alleles in individuals of African descent in gnomAD, and has been reported in a carrier screen of the general population (Hanany et al. 2020. PubMed ID: 31964843). Frameshift variants in PEX1 are an established mechanism of disease. This variant is interpreted as likely pathogenic.

Natera, Inc.
Classification: Likely pathogenic for Zellweger syndrome. Last evaluated: 2024-11-15. Review status: criteria provided, single submitter. Criteria: Natera Variant Classification Schema (03/2026). Collection method: clinical testing. Allele origin: germline.
Comment: The c.3455_3456delCT variant in PEX1 is a frameshift variant predicted to shift the reading frame beginning at codon 1152 and leads to a stop codon 78 codons downstream. This variant is expected to result in nonsense mediated decay, truncation, or a dysfunctional protein product. This variant is rare in the general population with a frequency below the threshold expected for the associated phenotype(s). Given the available evidence, this variant is classified as Likely Pathogenic.

Baylor Genetics
Classification: Likely pathogenic for Heimler syndrome 1. Last evaluated: 2023-04-02. Review status: criteria provided, single submitter. Criteria: ACMG Guidelines, 2015. Collection method: clinical testing. Allele origin: unknown.

Labcorp Genetics (formerly Invitae), Labcorp
Classification: Pathogenic for Zellweger spectrum disorders. Last evaluated: 2022-12-16. Review status: criteria provided, single submitter. Criteria: Invitae Variant Classification Sherloc (09022015). Collection method: clinical testing. Allele origin: germline.
Comment: This sequence change creates a premature translational stop signal (p.Ser1152Cysfs*78) in the PEX1 gene. It is expected to result in an absent or disrupted protein product. Loss-of-function variants in PEX1 are known to be pathogenic (PMID: 9398847, 16086329, 16141001, 21031596, 26387595, 31831025). The frequency data for this variant in the population databases is considered unreliable, as metrics indicate poor data quality at this position in the gnomAD database. This variant has not been reported in the literature in individuals affected with PEX1-related conditions. ClinVar contains an entry for this variant (Variation ID: 371774). For these reasons, this variant has been classified as Pathogenic.

Blueprint Genetics
Classification: Likely pathogenic for PEX1-related disorders. Last evaluated: 2021-01-12. Review status: criteria provided, single submitter. Criteria: ACMG Guidelines, 2015. Collection method: clinical testing. Allele origin: germline. Affected: yes. Observed: 2 variant alleles.

CeGaT Center for Human Genetics Tuebingen
Classification: Likely pathogenic. Last evaluated: 2017-05-01. Review status: criteria provided, single submitter. Criteria: CeGaT Center For Human Genetics Tuebingen Variant Classification Criteria Version 2. Collection method: clinical testing. Allele origin: germline. Affected: yes. Observed: 1 variant allele.

Counsyl
Classification: Likely pathogenic for Peroxisome biogenesis disorder 1A (Zellweger). Last evaluated: 2016-09-15. Review status: no assertion criteria provided. Collection method: clinical testing. Allele origin: unknown. Not counted in ClinVar's aggregate classification.

Counsyl
Classification: Likely pathogenic for Peroxisome biogenesis disorder 1B. Last evaluated: 2016-09-15. Review status: no assertion criteria provided. Collection method: clinical testing. Allele origin: unknown. Not counted in ClinVar's aggregate classification.

Literature cited by the submitters: PubMed 9398847 (cited by Labcorp Genetics (formerly Invitae), Labcorp); PubMed 16086329 (cited by Labcorp Genetics (formerly Invitae), Labcorp); PubMed 16141001 (cited by Labcorp Genetics (formerly Invitae), Labcorp); PubMed 21031596 (cited by Labcorp Genetics (formerly Invitae), Labcorp); PubMed 26387595 (cited by Labcorp Genetics (formerly Invitae), Labcorp); PubMed 31831025 (cited by Labcorp Genetics (formerly Invitae), Labcorp).